The following is an entry in ClinVar:

ClinVar aggregate classification (germline): Uncertain significance (1 of 4 stars; one submission).

Allele frequency attached by ClinVar (database versions not stated): gnomAD exomes below 0.00001; gnomAD 0.00001.
gnomAD v4.1: 5 of 1,612,428 alleles (0.00031%); highest among the groups gnomAD compares: African/African-American, 0.0053%; no homozygotes.

Submission:

Labcorp Genetics (formerly Invitae), Labcorp
Classification: Uncertain significance. Last evaluated: 2023-04-29. Review status: criteria provided, single submitter. Criteria: Invitae Variant Classification Sherloc (09022015). Collection method: clinical testing. Allele origin: germline.
Comment: This sequence change replaces proline, which is neutral and non-polar, with threonine, which is neutral and polar, at codon 497 of the ITGAM protein (p.Pro497Thr). This variant is present in population databases (no rsID available, gnomAD 0.007%). This variant has not been reported in the literature in individuals affected with ITGAM-related conditions. An algorithm developed to predict the effect of missense changes on protein structure and function (PolyPhen-2) suggests that this variant is likely to be disruptive. In summary, the available evidence is currently insufficient to determine the role of this variant in disease. Therefore, it has been classified as a Variant of Uncertain Significance.

NM_000632.4(ITGAM):c.1489C>A (p.Pro497Thr)

Gene: ITGAM (integrin subunit alpha M; plus strand). Cytogenetic location: 16p11.2.
Variant type: single nucleotide variant.
Coding change: c.1489C>A on transcript NM_000632.4 (MANE Select); coding-DNA position 1489, C replaced by A.
Protein change: p.Pro497Thr; replaces proline 497 with threonine.
Molecular consequence: missense variant.
Genome position (GRCh38, 1-based): chr16:31,297,646, C>A. VCF-style: chr16-31297646-C-A. GRCh37 (hg19) VCF-style: chr16-31308967-C-A.
Other names: c.1489C>A, p.Pro497Thr (NM_001145808.2); short protein forms P497T.
Identifiers: ClinVar variation 2871329 (VCV002871329.3), dbSNP rs934673289, ClinGen allele CA280601996.
Genomic context (GRCh38, chr16:31,297,646, plus strand): 5'-ATCGGGGCCCCCCATTACTACGAGCAGACCCGAGGGGGCCAGGTGTCCGTGTGCCCCTTG[C>A]CCAGGGGGGTGAGTGGCAATGGGACCTGGGCTGGGTGGGGCCCGGTGTGGGTGGAGGGGT-3'
Protein context (NP_000623.2, residues 487-507): RGGQVSVCPL[Pro497Thr]RGRARWQCDA